The following is an entry in ClinVar:

NM_004984.4(KIF5A):c.2983A>G (p.Met995Val)

Gene: KIF5A (kinesin family member 5A; plus strand). Cytogenetic location: 12q13.3.
Variant type: single nucleotide variant.
Coding change: c.2983A>G on transcript NM_004984.4 (MANE Select); coding-DNA position 2983, A replaced by G.
Protein change: p.Met995Val; replaces methionine 995 with valine.
Molecular consequence: missense variant.
Genome position (GRCh38, 1-based): chr12:57,581,943, A>G. VCF-style: chr12-57581943-A-G. GRCh37 (hg19) VCF-style: chr12-57975726-A-G.
Other names: c.2716A>G, p.Met906Val (NM_001354705.2); short protein forms M995V, M906V.
Identifiers: ClinVar variation 3630716 (VCV003630716.2).
Genomic context (GRCh38, chr12:57,581,943, plus strand): 5'-TGTACCAGCAGTGGAGCCACATCTTCTGGCGGCCCCTTGGCTTCCTACCAGAAGGCCAAC[A>G]TGGACAATGGTGAGTGAAAAAGATGGGTAATCCCACCTTTGGGGTCCTCAGGGCAAGTTG-3'
Protein context (NP_004975.2, residues 985-1005): GPLASYQKAN[Met995Val]DNGNATDIND

ClinVar aggregate classification (germline): Uncertain significance (1 of 4 stars; one submission).

Conditions:
Spastic paraplegia. Identifiers: MedGen C0037772, HP:0001258.

Submission:

Labcorp Genetics (formerly Invitae), Labcorp
Classification: Uncertain significance for Spastic paraplegia. Last evaluated: 2024-10-21. Review status: criteria provided, single submitter. Criteria: Invitae Variant Classification Sherloc (09022015). Collection method: clinical testing. Allele origin: germline.
Comment: This sequence change replaces methionine, which is neutral and non-polar, with valine, which is neutral and non-polar, at codon 995 of the KIF5A protein (p.Met995Val). This variant is not present in population databases (gnomAD no frequency). This variant has not been reported in the literature in individuals affected with KIF5A-related conditions. Invitae Evidence Modeling of protein sequence and biophysical properties (such as structural, functional, and spatial information, amino acid conservation, physicochemical variation, residue mobility, and thermodynamic stability) indicates that this missense variant is not expected to disrupt KIF5A protein function with a negative predictive value of 95%. In summary, the available evidence is currently insufficient to determine the role of this variant in disease. Therefore, it has been classified as a Variant of Uncertain Significance.